The following is an entry in ClinVar:

ClinVar aggregate classification (germline): Conflicting classifications of pathogenicity. Review status: criteria provided, conflicting classifications (1 of 4 stars). 2 submissions from 2 submitters: Uncertain significance (1); Likely benign (1). Last evaluated 2024-09-05.

Allele frequency attached by ClinVar (database versions not stated): gnomAD 0.00040; TOPMed 0.00041; gnomAD exomes 0.00053; 1000 Genomes Project 0.00060; 1000 Genomes Project 30x 0.00062; ESP Exome Variant Server 0.00067; ExAC 0.00090.
gnomAD v4.1: 828 of 1,598,534 alleles (0.052%); highest among the groups gnomAD compares: Non-Finnish European, 0.059%; no homozygotes.

Submissions (2):

Blueprint Genetics
Classification: Likely benign. Last evaluated: 2024-09-05. Review status: criteria provided, single submitter. Criteria: ACMG Guidelines, 2015. Collection method: clinical testing. Allele origin: germline.

Labcorp Genetics (formerly Invitae), Labcorp
Classification: Uncertain significance. Last evaluated: 2022-07-25. Review status: criteria provided, single submitter. Criteria: Invitae Variant Classification Sherloc (09022015). Collection method: clinical testing. Allele origin: germline.
Comment: This sequence change falls in intron 17 of the FAT1 gene. It does not directly change the encoded amino acid sequence of the FAT1 protein. It affects a nucleotide within the consensus splice site. This variant is present in population databases (rs190853089, gnomAD 0.08%), and has an allele count higher than expected for a pathogenic variant. This variant has not been reported in the literature in individuals affected with FAT1-related conditions. Variants that disrupt the consensus splice site are a relatively common cause of aberrant splicing (PMID: 17576681, 9536098). Algorithms developed to predict the effect of sequence changes on RNA splicing suggest that this variant is not likely to affect RNA splicing. In summary, the available evidence is currently insufficient to determine the role of this variant in disease. Therefore, it has been classified as a Variant of Uncertain Significance.

Literature cited by the submitters: PubMed 17576681 (cited by Labcorp Genetics (formerly Invitae), Labcorp); PubMed 9536098 (cited by Labcorp Genetics (formerly Invitae), Labcorp).

NM_005245.4(FAT1):c.10351-3C>T

Gene: FAT1 (FAT atypical cadherin 1; minus strand). Cytogenetic location: 4q35.2.
Variant type: single nucleotide variant.
Coding change: c.10351-3C>T on transcript NM_005245.4 (MANE Select); 3 bases into the intron before coding-DNA position 10351, C replaced by T.
Molecular consequence: intron variant.
Genome position (GRCh38, 1-based): chr4:186,604,577, G>A on the plus strand (C>T on the coding strand, the complement: FAT1 is on the minus strand). VCF-style: chr4-186604577-G-A. GRCh37 (hg19) VCF-style: chr4-187525731-G-A.
Identifiers: ClinVar variation 2200863 (VCV002200863.2), dbSNP rs190853089, ClinGen allele CA3165372.
Genomic context (GRCh38, chr4:186,604,577, plus strand): 5'-AAGAATCCTCATCTGTTACTACCAGCTGCAGCACGCTGAAGCCCACTGGCTTATTTTCCT[G>A]CACAAGATTAGAAACAAAATTAAACAAAAATCCTGGAACACAGCCAAATCTATATGGGAC-3'